The following is an entry in ClinVar:

NM_000843.4(GRM6):c.1445C>T (p.Ala482Val)

Genes: GRM6 (glutamate metabotropic receptor 6; minus strand), ZNF454 (zinc finger protein 454; plus strand). Cytogenetic location: 5q35.3.
Variant type: single nucleotide variant.
Coding change: c.1445C>T on transcript NM_000843.4 (MANE Select); coding-DNA position 1445, C replaced by T.
Protein change: p.Ala482Val; replaces alanine 482 with valine.
Molecular consequence: missense variant.
Genome position (GRCh38, 1-based): chr5:178,986,893, G>A on the plus strand (C>T on the coding strand, the complement: GRM6 is on the minus strand). VCF-style: chr5-178986893-G-A. GRCh37 (hg19) VCF-style: chr5-178413894-G-A.
Other names: short protein forms A482V.
Identifiers: ClinVar variation 1512859 (VCV001512859.6), dbSNP rs2113330591, ClinGen allele CA362429008.

ClinVar aggregate classification (germline): Uncertain significance (1 of 4 stars; one submission).

Submission:

Labcorp Genetics (formerly Invitae), Labcorp
Classification: Uncertain significance. Last evaluated: 2022-08-16. Review status: criteria provided, single submitter. Criteria: Invitae Variant Classification Sherloc (09022015). Collection method: clinical testing. Allele origin: germline.
Comment: In summary, the available evidence is currently insufficient to determine the role of this variant in disease. Therefore, it has been classified as a Variant of Uncertain Significance. Advanced modeling of protein sequence and biophysical properties (such as structural, functional, and spatial information, amino acid conservation, physicochemical variation, residue mobility, and thermodynamic stability) performed at Invitae indicates that this missense variant is not expected to disrupt GRM6 protein function. ClinVar contains an entry for this variant (Variation ID: 1512859). This variant has not been reported in the literature in individuals affected with GRM6-related conditions. This variant is not present in population databases (gnomAD no frequency). This sequence change replaces alanine, which is neutral and non-polar, with valine, which is neutral and non-polar, at codon 482 of the GRM6 protein (p.Ala482Val).